The following is an entry in ClinVar:

NM_000138.5(FBN1):c.981A>G (p.Arg327=)

Gene: FBN1 (fibrillin 1; minus strand). Cytogenetic location: 15q21.1.
Variant type: single nucleotide variant.
Coding change: c.981A>G on transcript NM_000138.5 (MANE Select); coding-DNA position 981, A replaced by G.
Protein change: p.Arg327=; no amino-acid change (arginine 327 retained).
Molecular consequence: synonymous variant.
Genome position (GRCh38, 1-based): chr15:48,526,137, T>C on the plus strand (A>G on the coding strand, the complement: FBN1 is on the minus strand). VCF-style: chr15-48526137-T-C. GRCh37 (hg19) VCF-style: chr15-48818334-T-C.
Other names: c.981A>G, p.Arg327= (NM_001406716.1).
Identifiers: ClinVar variation 3386861 (VCV003386861.2).
Genomic context (GRCh38, chr15:48,526,137, plus strand): 5'-TGTTATGGAACTGACTTACACAAACCATGCATGCTGTTTGTCATTAAACCTACCTATGCA[T>C]CTGGTACCATCTGGAGAGGTGTAAAAACCAGGGGGACATTTGCAAAAGTAACTGCTGACT-3'
Protein context (NP_000129.3, residues 317-337): PGFYTSPDGT[Arg327=]CIDVRPGYCY

ClinVar aggregate classification (germline): Likely benign. Review status: criteria provided, multiple submitters, no conflicts (2 of 4 stars). 2 submissions from 2 submitters: Likely benign (2). Last evaluated 2025-08-04.

Conditions:
Marfan syndrome (MFS). Also called: MARFAN SYNDROME, TYPE I; Marfan syndrome type 1; Marfan's syndrome; FBN1-Related Marfan Syndrome; Marfan syndrome, classic. Identifiers: Orphanet 284963, Orphanet 558, MedGen C0024796, MONDO:0007947, OMIM 154700.
Familial thoracic aortic aneurysm and aortic dissection (TAAD). Also called: Thoracic aortic aneurysms and dissections. Identifiers: Orphanet 91387, MedGen C4707243, MONDO:0019625.

Submissions (2):

Labcorp Genetics (formerly Invitae), Labcorp
Classification: Likely benign for Marfan syndrome; Familial thoracic aortic aneurysm and aortic dissection. Last evaluated: 2025-08-04. Review status: criteria provided, single submitter. Criteria: Invitae Variant Classification Sherloc (09022015). Collection method: clinical testing. Allele origin: germline.

All of Us Research Program, National Institutes of Health
Classification: Likely benign for Marfan syndrome. Last evaluated: 2024-08-13. Review status: criteria provided, single submitter. Criteria: ACMG Guidelines, 2015. Collection method: clinical testing. Allele origin: germline. Inheritance: Autosomal dominant inheritance. Observed: 1 variant allele, 1 heterozygote.
Comment: This study involves interpretation of variants in research participants for the purpose of population health screening. Participant phenotype was not available at the time of variant classification. Additional details can be found in publication PMID: 35346344, PMCID: PMC8962531